The following is an entry in ClinVar:

ClinVar aggregate classification (germline): Conflicting classifications of pathogenicity. Review status: criteria provided, conflicting classifications (1 of 4 stars). 2 submissions from 2 submitters: Uncertain significance (1); Likely benign (1). Last evaluated 2024-10-08.

Conditions:
Charcot-Marie-Tooth disease type 4. Also called: Charcot-Marie-Tooth, Type 4; Charcot-Marie-Tooth disease, type IV. Identifiers: Orphanet 64749, MedGen C4082197, MONDO:0018995.

Allele frequency attached by ClinVar (database versions not stated): TOPMed 0.00004; gnomAD 0.00005; ESP Exome Variant Server 0.00023.
gnomAD v4.1: 49 of 1,613,746 alleles (0.003%); highest among the groups gnomAD compares: Middle Eastern, 0.049%; no homozygotes.

Submissions (2):

Labcorp Genetics (formerly Invitae), Labcorp
Classification: Likely benign for Charcot-Marie-Tooth disease type 4. Last evaluated: 2024-10-08. Review status: criteria provided, single submitter. Criteria: Invitae Variant Classification Sherloc (09022015). Collection method: clinical testing. Allele origin: germline.

GeneDx
Classification: Uncertain significance. Last evaluated: 2017-09-05. Review status: criteria provided, single submitter. Criteria: GeneDx Variant Classification (06012015). Collection method: clinical testing. Allele origin: germline. Affected: yes.
Comment: A variant of uncertain significance has been identified in the SH3TC2 gene. The R272C variant has not been published as a pathogenic variant, nor has it been reported as a benign variant to our knowledge. The R272C variant is observed in 3/10400 (0.03%) alleles from individuals of African background (Lek et al., 2016; 1000 Genomes Consortium et al., 2015; Exome Variant Server). The R272C variant is a non-conservative amino acid substitution, which is likely to impact secondary protein structure as these residues differ in polarity, charge, size and/or other properties. This substitution occurs at a position where amino acids with similar properties to Arginine are tolerated across species. In silico analysis is inconsistent in its predictions as to whether or not the variant is damaging to the protein structure/function. Therefore, based on the currently available information, it is unclear whether this variant is a pathogenic variant or a rare benign variant.

NM_024577.4(SH3TC2):c.814C>T (p.Arg272Cys)

Gene: SH3TC2 (SH3 domain and tetratricopeptide repeats 2; minus strand). Cytogenetic location: 5q32.
Variant type: single nucleotide variant.
Coding change: c.814C>T on transcript NM_024577.4 (MANE Select); coding-DNA position 814, C replaced by T.
Protein change: p.Arg272Cys; replaces arginine 272 with cysteine.
Molecular consequence: missense variant.
Genome position (GRCh38, 1-based): chr5:149,038,482, G>A on the plus strand (C>T on the coding strand, the complement: SH3TC2 is on the minus strand). VCF-style: chr5-149038482-G-A. GRCh37 (hg19) VCF-style: chr5-148418045-G-A.
Other names: short protein forms R272C.
Identifiers: ClinVar variation 451739 (VCV000451739.12), dbSNP rs146143252, ClinGen allele CA3499373.
Genomic context (GRCh38, chr5:149,038,482, plus strand): 5'-CCTGGTAGAAATTCAGTTCATCCTTTTCTCCTGGCTCATAACCCGTCAAGGCCTTACAGC[G>A]TCCTCTGCCTGTGGAAAATAGCACACAGATCAGCTACAGAAGACATGAACAGCTGAGCCT-3'
Protein context (NP_078853.2, residues 262-282): WTGSYQIGRG[Arg272Cys]CKALTGYEPG